The following is an entry in ClinVar:

NM_000077.5(CDKN2A):c.247C>T (p.His83Tyr)

Gene: CDKN2A (cyclin dependent kinase inhibitor 2A; minus strand). Cytogenetic location: 9p21.3.
Variant type: single nucleotide variant.
Coding change: c.247C>T on transcript NM_000077.5; coding-DNA position 247, C replaced by T.
Protein change: p.His83Tyr; replaces histidine 83 with tyrosine.
Molecular consequence: missense variant (on NM_000077.6). On other transcripts: 3 prime UTR variant (1).
Genome position (GRCh38, 1-based): chr9:21,971,112, G>A on the plus strand (C>T on the coding strand, the complement: CDKN2A is on the minus strand). VCF-style: chr9-21971112-G-A. GRCh37 (hg19) VCF-style: chr9-21971111-G-A.
Other names: c.247C>T, p.His83Tyr (NM_000077.6, NM_001195132.2); c.94C>T, p.His32Tyr (NM_001363763.2); c.290C>T, p.Ala97Val (NM_058195.4); c.*170C>T (NM_058197.5); short protein forms A97V, H83Y, H32Y.
Identifiers: ClinVar variation 376307 (VCV000376307.16), dbSNP rs121913385, ClinGen allele CA16602753.

ClinVar aggregate classification (germline): Conflicting classifications of pathogenicity. Review status: criteria provided, conflicting classifications (1 of 4 stars). 5 submissions from 5 submitters: Likely pathogenic (2); Uncertain significance (3). Last evaluated 2025-06-02.
ClinVar aggregate classification (somatic clinical impact): Tier I - Strong (1 of 4 stars; one submission).
ClinVar aggregate classification (oncogenicity): Likely oncogenic (1 of 4 stars; one submission).

Conditions:
Familial melanoma. Also called: Hereditary melanoma; Hereditary cutaneous melanoma. Identifiers: Orphanet 618, MedGen C1512419, MONDO:0018961.
Melanoma and neural system tumor syndrome. Also called: MELANOMA-ASTROCYTOMA SYNDROME. Identifiers: Orphanet 252206, MedGen C1835042, MONDO:0007967, OMIM 155755.
Hereditary cancer-predisposing syndrome. Also called: Tumor predisposition; Neoplastic Syndromes, Hereditary; Hereditary neoplastic syndrome; Hereditary Cancer Syndrome. Identifiers: Orphanet 140162, MedGen C0027672, MeSH D009386, MONDO:0015356.
Melanoma-pancreatic cancer syndrome. Identifiers: Orphanet 404560, MedGen C1838547, MONDO:0011713, OMIM 606719. Disease mechanism: loss of function.
Embryonal rhabdomyosarcoma (ERMS). Also called: Botryoid rhabdomyosarcoma (type of ERMS); Spindle cell rhabdomyosarcomas (type of ERMS). Identifiers: Orphanet 99757, MedGen C0206656, MONDO:0009993, HP:0006743.
Neoplasm. Also called: Neoplasms; Neoplasm (disease); tumor. Identifiers: MedGen C0027651, MeSH D009369, MONDO:0005070, HP:0002664.

Submissions (8):

Center for Genomic Medicine, Rigshospitalet, Copenhagen University Hospital
Classification: Likely oncogenic for Neoplasm. Last evaluated: 2025-12-29. Review status: criteria provided, single submitter. Criteria: ClinGen/CGC/VICC Guidelines for Oncogenicity, 2022. Collection method: clinical testing. Allele origin: somatic. Affected: yes.

Molecular Diagnostics Laboratory, Catalan Institute of Oncology
Classification: Likely pathogenic for Hereditary cancer-predisposing syndrome. Last evaluated: 2025-06-02. Review status: criteria provided, single submitter. Criteria: ACMG Guidelines, 2015. Collection method: clinical testing. Allele origin: germline.
Comment: PS3, PM1, PM2_Supporting, PP3 c.247C>T located in exon2 of theCDKN2A gene,ispredicted to result in thesubstitution of histidineby tyrosineatcodon83,p.(His83Tyr). This variant is located in a mutational hotspot (>10 tumors in an online resource) (PM1). The SpliceAI algorithm predicts no significant impact on splicing, and the REVEL meta-predictor score for this variant (0.8) suggests a deleterious effect on protein function (PP3). It is not present in the population database gnomAD v2.1.1, non-cancer dataset (PM2_Supporting). This variant has been reported in the ClinVar database (2x uncertain significance, 1x likely pathogenic) and in LOVD (2x uncertain significance). This variant has been observed in multiple patients affected by melanoma and lung cancer (PMID: 16234564, 17218939, 9324288, 16896043, 21462282). Functional studies have shown that His83Tyr results in an unstable protein with a reduced half-life, is unable to form CDK4 and CDK6 complexes in human cell lines, and consequently, is unable to inhibit cell growth (PMID: 9324288, 10491434, 8521414) (PS3). Based on currently available information, the variant c.247C>T should be considered a likely pathogenic variant according to ACMG/AMP classification guidelines.

Institute for Genomic Medicine (IGM) Clinical Laboratory, Nationwide Children's Hospital
Classification: Tier I - Strong for Embryonal rhabdomyosarcoma. Assertion type: diagnostic. Clinical significance: supports diagnosis. Last evaluated: 2025-05-19. Review status: criteria provided, single submitter. Criteria: AMP/ASCO/CAP Guidelines, 2017. Collection method: clinical testing. Allele origin: somatic. Affected: yes.
Comment: Variant has Tier I (strong) clinical significance as a diagnostic inclusion criterion in embryonal rhabdomyosarcoma, based on the following evidence: 1) Documented in one or more cancer databases (e.g., St. Jude Pecan, COSMIC, CIViC, OncoKB). 2) Appears in one or more well-established professional guidelines (e.g., World Health Organization [WHO]; National Comprehensive Cancer Network [NCCN]) as providing diagnostic, prognostic, or therapeutic information. 3) Information in the literature supports potential biologic effect of variant (PMIDs: 10491434, 21462282). 4) Diagnostic for a specific tumor type/classification based on well-powered studies with expert-level consensus (Evidence Level B; PMIDs: 34166060, 24436047, 26138366, 21412928, 8703847, 34773670).

Ambry Genetics
Classification: Uncertain significance for Hereditary cancer-predisposing syndrome. Last evaluated: 2024-10-16. Review status: criteria provided, single submitter. Criteria: Ambry Variant Classification Scheme 2023. Collection method: clinical testing. Allele origin: germline.
Comment: The p.H83Y variant (also known as c.247C>T), located in coding exon 2 of the CDKN2A gene, results from a C to T substitution at nucleotide position 247. The histidine at codon 83 is replaced by tyrosine, an amino acid with similar properties. This alteration was identified in cohorts with sporadic and multiple melanomas (Begg CB et al. J Natl Cancer Inst, 2005 Oct;97:1507-15; Miller PJ et al. Hum Mutat, 2011 Aug;32:900-11). Protein functional studies have shown this variant to have inhibited CDK4 and CDK6 binding and to have increased proliferation activity compared to wild-type (Yang R et al. Cancer Res, 1995 Jun;55:2503-6; Gombart AF et al. Leukemia, 1997 Oct;11:1673-80; Yarbrough WG et al. J Natl Cancer Inst, 1999 Sep;91:1569-74; Kimura H et al. Elife. 2022 Jan;11). This amino acid position is highly conserved in available vertebrate species. In addition, the in silico prediction for this alteration is inconclusive. Another variant at the same codon, p.H83Q (c.249C>A), has been described in families with features of melanoma-pancreatic cancer syndrome (Ambry internal data). Since supporting evidence is limited at this time, the clinical significance of this alteration remains unclear.

Labcorp Genetics (formerly Invitae), Labcorp
Classification: Uncertain significance for Familial melanoma. Last evaluated: 2023-11-24. Review status: criteria provided, single submitter. Criteria: Invitae Variant Classification Sherloc (09022015). Collection method: clinical testing. Allele origin: germline.
Comment: The CDKN2A gene encodes two different proteins, p16INK4a and p14ARF, which are translated from alternative transcripts with different open reading frames. Both transcripts have been analyzed. We report either the variant with the higher classification or default to the CDKN2A (p16INK4a) variant. This report therefore includes the details for the CDKN2A (p16INK4a) variant. This sequence change replaces histidine, which is basic and polar, with tyrosine, which is neutral and polar, at codon 83 of the CDKN2A (p16INK4a) protein (p.His83Tyr). This variant is not present in population databases (gnomAD no frequency). This missense change has been observed in individual(s) with sporadic and multiple primary melanomas (PMID: 16234564, 16896043, 21462282). This variant is also known as c.290C>T (p.Ala97Val) in the CDKN2A (p14ARF) transcript. ClinVar contains an entry for this variant (Variation ID: 376307). An algorithm developed to predict the effect of missense changes on protein structure and function (PolyPhen-2) suggests that this variant is likely to be disruptive. Experimental studies have shown that this missense change affects CDKN2A (p16INK4a) function (PMID: 7780957, 8521414, 9324288, 10491434). In summary, the available evidence is currently insufficient to determine the role of this variant in disease. Therefore, it has been classified as a Variant of Uncertain Significance.

Baylor Genetics
Classification: Uncertain significance for Melanoma and neural system tumor syndrome. Last evaluated: 2023-05-26. Review status: criteria provided, single submitter. Criteria: ACMG Guidelines, 2015. Collection method: clinical testing. Allele origin: unknown.

Myriad Genetics, Inc.
Classification: Likely pathogenic for Melanoma-pancreatic cancer syndrome. Last evaluated: 2023-03-08. Review status: criteria provided, single submitter. Criteria: Myriad Autosomal Dominant, Autosomal Recessive and X-Linked Classification Criteria (2023). Collection method: clinical testing. Allele origin: unknown.
Comment: This variant is considered likely pathogenic. This variant is expected to disrupt protein structure [Myriad internal data]. Functional studies indicate this variant impacts protein function [PMID: 35001868, 9324288]. This variant has been reported in multiple individuals with clinical features of gene-specific disease [PMID: 21462282, 16234564].

Dr. Peter K. Rogan Lab, Western University
No classification provided (evidence only). Condition: Malignant tumor of urinary bladder. Review status: no classification provided. Collection method: in vitro. Allele origin: not applicable. Functional consequence: retained intron. Not counted in ClinVar's aggregate classification.

Literature cited by the submitters: PubMed 10491434 (cited by 4 submitters); PubMed 21462282 (cited by 4 submitters); PubMed 34166060 (cited by Institute for Genomic Medicine (IGM) Clinical Laboratory, Nationwide Children's Hospital); PubMed 24436047 (cited by Institute for Genomic Medicine (IGM) Clinical Laboratory, Nationwide Children's Hospital); PubMed 26138366 (cited by Institute for Genomic Medicine (IGM) Clinical Laboratory, Nationwide Children's Hospital); PubMed 21412928 (cited by Institute for Genomic Medicine (IGM) Clinical Laboratory, Nationwide Children's Hospital); PubMed 8703847 (cited by Institute for Genomic Medicine (IGM) Clinical Laboratory, Nationwide Children's Hospital); PubMed 34773670 (cited by Institute for Genomic Medicine (IGM) Clinical Laboratory, Nationwide Children's Hospital); PubMed 16234564 (cited by 3 submitters); PubMed 17218939 (cited by Ambry Genetics); PubMed 35001868 (cited by Ambry Genetics and Myriad Genetics, Inc.); PubMed 7780957 (cited by Ambry Genetics and Labcorp Genetics (formerly Invitae), Labcorp); PubMed 9324288 (cited by 3 submitters); PubMed 16896043 (cited by Labcorp Genetics (formerly Invitae), Labcorp); PubMed 8521414 (cited by Labcorp Genetics (formerly Invitae), Labcorp).